The following is an entry in ClinVar:

ClinVar aggregate classification (germline): Uncertain significance (1 of 4 stars; one submission).

Submission:

Ambry Genetics
Classification: Uncertain significance. Last evaluated: 2021-01-29. Review status: criteria provided, single submitter. Criteria: Ambry Variant Classification Scheme 2023. Collection method: clinical testing. Allele origin: germline.
Comment: The p.D514E variant (also known as c.1542T>A), located in coding exon 9 of the GALNT12 gene, results from a T to A substitution at nucleotide position 1542. The aspartic acid at codon 514 is replaced by glutamic acid, an amino acid with highly similar properties. This amino acid position is well conserved in available vertebrate species. In addition, this alteration is predicted to be tolerated by in silico analysis. Since supporting evidence is limited at this time, the clinical significance of this alteration remains unclear.

NM_024642.5(GALNT12):c.1542T>A (p.Asp514Glu)

Gene: GALNT12 (polypeptide N-acetylgalactosaminyltransferase 12; plus strand). Cytogenetic location: 9q22.33.
Variant type: single nucleotide variant.
Coding change: c.1542T>A on transcript NM_024642.5 (MANE Select); coding-DNA position 1542, T replaced by A.
Protein change: p.Asp514Glu; replaces aspartic acid 514 with glutamic acid.
Molecular consequence: missense variant.
Genome position (GRCh38, 1-based): chr9:98,846,060, T>A. VCF-style: chr9-98846060-T-A. GRCh37 (hg19) VCF-style: chr9-101608342-T-A.
Other names: short protein forms D514E.
Identifiers: ClinVar variation 1774877 (VCV001774877.2), dbSNP rs2490557693, ClinGen allele CA374221771.